The following is an entry in ClinVar:

ClinVar aggregate classification (germline): Uncertain significance (1 of 4 stars; one submission).

Conditions:
Fanconi anemia (FA). Also called: Fanconi's anemia. Identifiers: Orphanet 84, MedGen C0015625, MeSH D005199, MONDO:0019391.

Allele frequency attached by ClinVar (database versions not stated): gnomAD exomes below 0.00001.

Submission:

Labcorp Genetics (formerly Invitae), Labcorp
Classification: Uncertain significance for Fanconi anemia. Last evaluated: 2020-12-09. Review status: criteria provided, single submitter. Criteria: Invitae Variant Classification Sherloc (09022015). Collection method: clinical testing. Allele origin: germline.
Comment: In summary, the available evidence is currently insufficient to determine the role of this variant in disease. Therefore, it has been classified as a Variant of Uncertain Significance. Nucleotide substitutions within the consensus splice site are a relatively common cause of aberrant splicing (PMID: 17576681, 9536098). Algorithms developed to predict the effect of sequence changes on RNA splicing suggest that this variant is not likely to affect RNA splicing, but this prediction has not been confirmed by published transcriptional studies. This variant has not been reported in the literature in individuals with FANCA-related conditions. This variant is not present in population databases (ExAC no frequency). This sequence change falls in intron 10 of the FANCA gene. It does not directly change the encoded amino acid sequence of the FANCA protein. It affects a nucleotide within the consensus splice site of the intron.

Literature cited by the submitters: PubMed 17576681; PubMed 9536098.

NM_000135.4(FANCA):c.893+4T>C

Gene: FANCA (FA complementation group A; minus strand). Cytogenetic location: 16q24.3.
Variant type: single nucleotide variant.
Coding change: c.893+4T>C on transcript NM_000135.4 (MANE Select); 4 bases into the intron after coding-DNA position 893, T replaced by C.
Molecular consequence: intron variant.
Genome position (GRCh38, 1-based): chr16:89,799,162, A>G on the plus strand (T>C on the coding strand, the complement: FANCA is on the minus strand). VCF-style: chr16-89799162-A-G. GRCh37 (hg19) VCF-style: chr16-89865570-A-G.
Other names: c.893+4T>C (NM_001286167.3, NM_001018112.3); c.797+4T>C (NM_001351830.2).
Identifiers: ClinVar variation 1409304 (VCV001409304.6), dbSNP rs2143580838, ClinGen allele CA2573152796.